The following is an entry in ClinVar:

ClinVar aggregate classification (germline): Uncertain significance (1 of 4 stars; one submission).

Conditions:
Encephalopathy, acute, infection-induced (herpes-specific), susceptibility to, 1. Also called: Herpes simplex encephalitis, susceptibility to, 1. Identifiers: Orphanet 1930, MedGen C2750180, MONDO:0024563, OMIM 610551.

Submission:

Labcorp Genetics (formerly Invitae), Labcorp
Classification: Uncertain significance for Encephalopathy, acute, infection-induced (herpes-specific), susceptibility to, 1. Last evaluated: 2025-01-08. Review status: criteria provided, single submitter. Criteria: Invitae Variant Classification Sherloc (09022015). Collection method: clinical testing. Allele origin: germline.
Comment: This sequence change replaces histidine, which is basic and polar, with asparagine, which is neutral and polar, at codon 819 of the TLR3 protein (p.His819Asn). This variant is present in population databases (no rsID available, gnomAD 0.006%). This variant has not been reported in the literature in individuals affected with TLR3-related conditions. An algorithm developed to predict the effect of missense changes on protein structure and function (PolyPhen-2) suggests that this variant is likely to be tolerated. In summary, the available evidence is currently insufficient to determine the role of this variant in disease. Therefore, it has been classified as a Variant of Uncertain Significance.

NM_003265.3(TLR3):c.2455C>A (p.His819Asn)

Gene: TLR3 (toll like receptor 3; plus strand). Cytogenetic location: 4q35.1.
Variant type: single nucleotide variant.
Coding change: c.2455C>A on transcript NM_003265.3 (MANE Select); coding-DNA position 2455, C replaced by A.
Protein change: p.His819Asn; replaces histidine 819 with asparagine.
Molecular consequence: missense variant.
Genome position (GRCh38, 1-based): chr4:186,084,141, C>A. VCF-style: chr4-186084141-C-A. GRCh37 (hg19) VCF-style: chr4-187005295-C-A.
Other names: short protein forms H819N.
Identifiers: ClinVar variation 3700227 (VCV003700227.2).